The following is an entry in ClinVar:

NM_014000.3(VCL):c.1816A>G (p.Ile606Val)

Gene: VCL (vinculin; plus strand). Cytogenetic location: 10q22.2.
Variant type: single nucleotide variant.
Coding change: c.1816A>G on transcript NM_014000.3 (MANE Select); coding-DNA position 1816, A replaced by G.
Protein change: p.Ile606Val; replaces isoleucine 606 with valine.
Molecular consequence: missense variant.
Genome position (GRCh38, 1-based): chr10:74,097,276, A>G. VCF-style: chr10-74097276-A-G. GRCh37 (hg19) VCF-style: chr10-75857034-A-G.
Other names: c.1816A>G, p.Ile606Val (NM_003373.4); short protein forms I606V.
Identifiers: ClinVar variation 949187 (VCV000949187.10), dbSNP rs750293810, ClinGen allele CA5563089.
Genomic context (GRCh38, chr10:74,097,276, plus strand): 5'-CGGATGCAGGAGGCCATGACTCAGGAAGTGTCAGATGTTTTCAGCGATACCACAACTCCC[A>G]TCAAGCTGTTGGCAGTGGCAGCCACGGCGCCTCCTGATGCGCCTAACAGGGAAGAGGTGG-3'
Protein context (NP_054706.1, residues 596-616): SDVFSDTTTP[Ile606Val]KLLAVAATAP

ClinVar aggregate classification (germline): Uncertain significance. Review status: criteria provided, multiple submitters, no conflicts (2 of 4 stars). 2 submissions from 2 submitters: Uncertain significance (2). Last evaluated 2025-07-30.

Conditions:
Dilated cardiomyopathy 1W (CMD1W). Identifiers: Orphanet 154, MedGen C1969639, MONDO:0012667, OMIM 611407.
Cardiovascular phenotype. Identifiers: MedGen CN230736.

Allele frequency attached by ClinVar (database versions not stated): gnomAD exomes below 0.00001 and 0.00001; ExAC 0.00001; gnomAD 0.00001; TOPMed 0.00001.
gnomAD v4.1: 13 of 1,614,008 alleles (0.00081%); highest among the groups gnomAD compares: Non-Finnish European, 0.0011%; no homozygotes.

Submissions (2):

Ambry Genetics
Classification: Uncertain significance for Cardiovascular phenotype. Last evaluated: 2025-07-30. Review status: criteria provided, single submitter. Criteria: Ambry Variant Classification Scheme 2023. Collection method: clinical testing. Allele origin: germline.
Comment: The p.I606V variant (also known as c.1816A>G), located in coding exon 13 of the VCL gene, results from an A to G substitution at nucleotide position 1816. The isoleucine at codon 606 is replaced by valine, an amino acid with highly similar properties. This amino acid position is highly conserved in available vertebrate species. In addition, this alteration is predicted to be tolerated by in silico analysis. Since supporting evidence is limited at this time, the clinical significance of this alteration remains unclear.

Labcorp Genetics (formerly Invitae), Labcorp
Classification: Uncertain significance for Dilated cardiomyopathy 1W. Last evaluated: 2024-05-06. Review status: criteria provided, single submitter. Criteria: Invitae Variant Classification Sherloc (09022015). Collection method: clinical testing. Allele origin: germline.
Comment: This sequence change replaces isoleucine, which is neutral and non-polar, with valine, which is neutral and non-polar, at codon 606 of the VCL protein (p.Ile606Val). This variant is present in population databases (rs750293810, gnomAD 0.0009%). This variant has not been reported in the literature in individuals affected with VCL-related conditions. ClinVar contains an entry for this variant (Variation ID: 949187). An algorithm developed to predict the effect of missense changes on protein structure and function (PolyPhen-2) suggests that this variant¬†is likely to be tolerated. In summary, the available evidence is currently insufficient to determine the role of this variant in disease. Therefore, it has been classified as a Variant of Uncertain Significance.